The following is an entry in ClinVar:

ClinVar aggregate classification (germline): Likely benign. Review status: criteria provided, multiple submitters, no conflicts (2 of 4 stars). 2 submissions from 2 submitters: Likely benign (2). Last evaluated 2018-06-19.

Allele frequency attached by ClinVar (database versions not stated): gnomAD 0.01134 and 0.01233; TOPMed 0.01172; 1000 Genomes Project 30x 0.01437; 1000 Genomes Project 0.01538; gnomAD exomes 0.01795.
gnomAD v4.1: 22,992 of 1,330,190 alleles (1.7%); highest among the groups gnomAD compares: South Asian, 4%; 315 homozygotes.

Submissions (2):

GeneDx
Classification: Likely benign. Last evaluated: 2018-06-19. Review status: criteria provided, single submitter. Criteria: GeneDx Variant Classification (06012015). Collection method: clinical testing. Allele origin: germline. Affected: yes.
Comment: This variant is considered likely benign or benign based on one or more of the following criteria: it is a conservative change, it occurs at a poorly conserved position in the protein, it is predicted to be benign by multiple in silico algorithms, and/or has population frequency not consistent with disease.

Breakthrough Genomics
Classification: Likely benign. Review status: criteria provided, single submitter. Criteria: ACMG Guidelines, 2015. Collection method: not provided. Allele origin: germline. Inheritance: Autosomal recessive inheritance. Affected: yes.

NM_016955.4(SEPSECS):c.269+85T>G

Gene: SEPSECS (Sep (O-phosphoserine) tRNA:Sec (selenocysteine) tRNA synthase; minus strand). Cytogenetic location: 4p15.2.
Variant type: single nucleotide variant.
Coding change: c.269+85T>G on transcript NM_016955.4 (MANE Select); 85 bases into the intron after coding-DNA position 269, T replaced by G.
Molecular consequence: intron variant.
Genome position (GRCh38, 1-based): chr4:25,158,868, A>C on the plus strand (T>G on the coding strand, the complement: SEPSECS is on the minus strand). VCF-style: chr4-25158868-A-C. GRCh37 (hg19) VCF-style: chr4-25160490-A-C.
Identifiers: ClinVar variation 673059 (VCV000673059.2), dbSNP rs73252530, ClinGen allele CA93587416.